The following is an entry in ClinVar:

ClinVar aggregate classification (germline): Uncertain significance (1 of 4 stars; one submission).

Conditions:
Dyskeratosis congenita, autosomal dominant 2. Identifiers: MedGen C3151443, MONDO:0013521, OMIM 613989.
Idiopathic Pulmonary Fibrosis. Also called: Idiopathic fibrosing alveolitis, chronic form; idiopathic fibrosing alveolitis. Identifiers: Orphanet 2032, MedGen C1800706, MeSH D054990, MONDO:0800504.

Submission:

Labcorp Genetics (formerly Invitae), Labcorp
Classification: Uncertain significance for Dyskeratosis congenita, autosomal dominant 2; Idiopathic Pulmonary Fibrosis. Last evaluated: 2024-04-03. Review status: criteria provided, single submitter. Criteria: Invitae Variant Classification Sherloc (09022015). Collection method: clinical testing. Allele origin: germline.
Comment: This sequence change replaces leucine, which is neutral and non-polar, with proline, which is neutral and non-polar, at codon 927 of the TERT protein (p.Leu927Pro). This variant is not present in population databases (gnomAD no frequency). This variant has not been reported in the literature in individuals affected with TERT-related conditions. Advanced modeling of protein sequence and biophysical properties (such as structural, functional, and spatial information, amino acid conservation, physicochemical variation, residue mobility, and thermodynamic stability) performed at Invitae indicates that this missense variant is expected to disrupt TERT protein function with a positive predictive value of 80%. In summary, the available evidence is currently insufficient to determine the role of this variant in disease. Therefore, it has been classified as a Variant of Uncertain Significance.

NM_198253.3(TERT):c.2780T>C (p.Leu927Pro)

Gene: TERT (telomerase reverse transcriptase; minus strand). Cytogenetic location: 5p15.33.
Variant type: single nucleotide variant.
Coding change: c.2780T>C on transcript NM_198253.3 (MANE Select); coding-DNA position 2780, T replaced by C.
Protein change: p.Leu927Pro; replaces leucine 927 with proline.
Molecular consequence: missense variant. On other transcripts: intron variant (1).
Genome position (GRCh38, 1-based): chr5:1,264,467, A>G on the plus strand (T>C on the coding strand, the complement: TERT is on the minus strand). VCF-style: chr5-1264467-A-G. GRCh37 (hg19) VCF-style: chr5-1264582-A-G.
Other names: c.2654+1997T>C (NM_001193376.3); short protein forms L927P.
Identifiers: ClinVar variation 3755682 (VCV003755682.2).